The following is an entry in ClinVar:

NM_000089.4(COL1A2):c.1886C>A (p.Ala629Asp)

Gene: COL1A2 (collagen type I alpha 2 chain; plus strand). Cytogenetic location: 7q21.3.
Variant type: single nucleotide variant.
Coding change: c.1886C>A on transcript NM_000089.4 (MANE Select); coding-DNA position 1886, C replaced by A.
Protein change: p.Ala629Asp; replaces alanine 629 with aspartic acid.
Molecular consequence: missense variant.
Genome position (GRCh38, 1-based): chr7:94,417,746, C>A. VCF-style: chr7-94417746-C-A. GRCh37 (hg19) VCF-style: chr7-94047058-C-A.
Other names: short protein forms A629D.
Identifiers: ClinVar variation 2682498 (VCV002682498.3), dbSNP rs1217066325, ClinGen allele CA368222804.

ClinVar aggregate classification (germline): Uncertain significance. Review status: criteria provided, multiple submitters, no conflicts (2 of 4 stars). 3 submissions from 3 submitters: Uncertain significance (3). Last evaluated 2026-09-06.

Conditions:
Cardiovascular phenotype. Identifiers: MedGen CN230736.
Osteogenesis imperfecta type I (OI1). Also called: OI, TYPE I; OSTEOGENESIS IMPERFECTA TARDA; OSTEOGENESIS IMPERFECTA WITH BLUE SCLERAE; Osteogenesis imperfecta type 1; Lobstein's Disease; Lobstein disease. Identifiers: Orphanet 216796, Orphanet 666, MedGen C0023931, MONDO:0008146, OMIM 166200. Disease mechanism: loss of function.
Ehlers-Danlos syndrome, classic type, 1 (EDSCL1). Also called: EHLERS-DANLOS SYNDROME, GRAVIS TYPE; EHLERS-DANLOS SYNDROME, SEVERE CLASSIC TYPE; Ehlers-Danlos Syndrome, Classic Type, COL5A1-Related; Ehlers-Danlos syndrome, type 1; EDS I. Identifiers: MedGen C0268335, MONDO:0019567, OMIM 130000.

Allele frequency attached by ClinVar (database versions not stated): gnomAD exomes below 0.00001; gnomAD 0.00002; TOPMed 0.00003.
gnomAD v4.1: 5 of 1,598,442 alleles (0.00031%); highest among the groups gnomAD compares: African/African-American, 0.004%; no homozygotes.

Submissions (3):

Ambry Genetics
Classification: Uncertain significance for Cardiovascular phenotype. Last evaluated: 2026-09-06. Review status: criteria provided, single submitter. Criteria: Ambry Variant Classification Scheme 2023. Collection method: clinical testing. Allele origin: germline.
Comment: The p.A629D variant (also known as c.1886C>A), located in coding exon 32 of the COL1A2 gene, results from a C to A substitution at nucleotide position 1886. The alanine at codon 629 is replaced by aspartic acid, an amino acid with dissimilar properties. This amino acid position is conserved. In addition, the in silico prediction for this alteration is inconclusive. Based on the available evidence, the clinical significance of this variant remains unclear.

Labcorp Genetics (formerly Invitae), Labcorp
Classification: Uncertain significance for Osteogenesis imperfecta type I; Ehlers-Danlos syndrome, classic type, 1. Last evaluated: 2025-06-11. Review status: criteria provided, single submitter. Criteria: Invitae Variant Classification Sherloc (09022015). Collection method: clinical testing. Allele origin: germline.
Comment: This sequence change replaces alanine, which is neutral and non-polar, with aspartic acid, which is acidic and polar, at codon 629 of the COL1A2 protein (p.Ala629Asp). This variant is not present in population databases (gnomAD no frequency). This variant has not been reported in the literature in individuals affected with COL1A2-related conditions. ClinVar contains an entry for this variant (Variation ID: 2682498). Invitae Evidence Modeling of protein sequence and biophysical properties (such as structural, functional, and spatial information, amino acid conservation, physicochemical variation, residue mobility, and thermodynamic stability) indicates that this missense variant is not expected to disrupt COL1A2 protein function with a negative predictive value of 95%. In summary, the available evidence is currently insufficient to determine the role of this variant in disease. Therefore, it has been classified as a Variant of Uncertain Significance.

Women's Health and Genetics/Laboratory Corporation of America, LabCorp
Classification: Uncertain significance. Last evaluated: 2023-11-14. Review status: criteria provided, single submitter. Criteria: LabCorp Variant Classification Summary - May 2015. Collection method: clinical testing. Allele origin: germline.
Comment: Variant summary: COL1A2 c.1886C>A (p.Ala629Asp) results in a non-conservative amino acid change in the encoded protein sequence. Three of five in-silico tools predict a benign effect of the variant on protein function. The variant was absent in 224680 control chromosomes. The available data on variant occurrences in the general population are insufficient to allow any conclusion about variant significance. To our knowledge, no occurrence of c.1886C>A in individuals affected with Ehlers-Danlos Syndrome and no experimental evidence demonstrating its impact on protein function have been reported. No submitters have cited clinical-significance assessments for this variant to ClinVar after 2014. Based on the evidence outlined above, the variant was classified as uncertain significance.